The following is an entry in ClinVar:

NM_001267550.2(TTN):c.102152A>T (p.Asp34051Val)

Genes: TTN-AS1 (TTN antisense RNA 1; plus strand), TTN (titin; minus strand). Cytogenetic location: 2q31.2.
Variant type: single nucleotide variant.
Coding change: c.102152A>T on transcript NM_001267550.2 (MANE Select); coding-DNA position 102152, A replaced by T.
Protein change: p.Asp34051Val; replaces aspartic acid 34051 with valine.
Molecular consequence: missense variant.
Genome position (GRCh38, 1-based): chr2:178,534,463, T>A on the plus strand (A>T on the coding strand, the complement: TTN is on the minus strand). VCF-style: chr2-178534463-T-A. GRCh37 (hg19) VCF-style: chr2-179399190-T-A.
Other names: c.97229A>T, p.Asp32410Val (NM_001256850.1); c.74957A>T, p.Asp24986Val (NM_003319.4); c.94448A>T, p.Asp31483Val (NM_133378.4); c.75332A>T, p.Asp25111Val (NM_133432.3); c.75533A>T, p.Asp25178Val (NM_133437.4); short protein forms D24986V, D25178V, D32410V, D25111V, D34051V, D31483V.
Identifiers: ClinVar variation 2944879 (VCV002944879.3), dbSNP rs2468536691, ClinGen allele CA349418239.

ClinVar aggregate classification (germline): Uncertain significance (1 of 4 stars; one submission).

Conditions:
Dilated cardiomyopathy 1G (CMD1G). Identifiers: Orphanet 154, MedGen C1858763, MONDO:0011400, OMIM 604145.
Autosomal recessive limb-girdle muscular dystrophy type 2J (LGMDR10). Also called: Limb-girdle muscular dystrophy, type 2J; MUSCULAR DYSTROPHY, LIMB-GIRDLE, AUTOSOMAL RECESSIVE 10. Identifiers: Orphanet 140922, MedGen C1837342, MONDO:0012127, OMIM 608807.

Submission:

Labcorp Genetics (formerly Invitae), Labcorp
Classification: Uncertain significance for Dilated cardiomyopathy 1G; Autosomal recessive limb-girdle muscular dystrophy type 2J. Last evaluated: 2023-03-02. Review status: criteria provided, single submitter. Criteria: Invitae Variant Classification Sherloc (09022015). Collection method: clinical testing. Allele origin: germline.
Comment: In summary, the available evidence is currently insufficient to determine the role of this variant in disease. Therefore, it has been classified as a Variant of Uncertain Significance. Experimental studies and prediction algorithms are not available or were not evaluated, and the functional significance of this variant is currently unknown. This variant has not been reported in the literature in individuals affected with TTN-related conditions. This variant is not present in population databases (gnomAD no frequency). This sequence change replaces aspartic acid, which is acidic and polar, with valine, which is neutral and non-polar, at codon 34051 of the TTN protein (p.Asp34051Val). This variant is located in the M band of TTN (PMID: 25589632). Variants in this region may be relevant for neuromuscular disorders, but have not been definitively shown to cause cardiomyopathy (PMID: 23975875).

Literature cited by the submitters: PubMed 25589632; PubMed 23975875.